The following is an entry in ClinVar:

ClinVar aggregate classification (germline): Benign. Review status: criteria provided, single submitter (1 of 4 stars). 3 submissions from 1 submitter: Benign (3). Last evaluated 2018-01-12.

Conditions:
Familial multiple trichoepitheliomata. Also called: Familial multiple trichoepithelioma. Identifiers: Orphanet 79493, Orphanet 867, MedGen C1275122, MONDO:0011114.
Familial cylindromatosis. Also called: Turban tumor syndrome; ANCELL-SPIEGLER CYLINDROMAS. Identifiers: Orphanet 211, Orphanet 79493, MedGen C1851526, MONDO:0007565, OMIM 132700.
Brooke-Spiegler syndrome. Also called: CYLD Cutaneous Syndrome. Identifiers: Orphanet 79493, MedGen C1857941, MONDO:0011512, OMIM 605041.

Allele frequency attached by ClinVar (database versions not stated): 1000 Genomes Project 0.00040; 1000 Genomes Project 30x 0.00062; gnomAD 0.00173 and 0.00179; TOPMed 0.00175; gnomAD exomes 0.00189.
gnomAD v4.1: 415 of 233,004 alleles (0.18%); highest among the groups gnomAD compares: Non-Finnish European, 0.3%; 2 homozygotes.

Submissions (3):

Illumina Laboratory Services, Illumina
Classification: Benign for Brooke-Spiegler syndrome. Last evaluated: 2018-01-12. Review status: criteria provided, single submitter. Criteria: ICSL Variant Classification Criteria 13 December 2019. Collection method: clinical testing. Allele origin: germline.
Comment: This variant was observed in the ICSL laboratory as part of a predisposition screen in an ostensibly healthy population. It had not been previously curated by ICSL or reported in the Human Gene Mutation Database (HGMD: prior to June 1st, 2018), and was therefore a candidate for classification through an automated scoring system. Utilizing variant allele frequency, disease prevalence and penetrance estimates, and inheritance mode, an automated score was calculated to assess if this variant is too frequent to cause the disease. Based on the score and internal cut-off values, a variant classified as benign is not then subjected to further curation. The score for this variant resulted in a classification of benign for this disease.

Illumina Laboratory Services, Illumina
Classification: Benign for Familial cylindromatosis. Last evaluated: 2018-01-12. Review status: criteria provided, single submitter. Criteria: ICSL Variant Classification Criteria 13 December 2019. Collection method: clinical testing. Allele origin: germline.
Comment: the same text as in the submission from Illumina Laboratory Services, Illumina above.

Illumina Laboratory Services, Illumina
Classification: Benign for Trichoepithelioma, multiple familial, 1. Last evaluated: 2018-01-12. Review status: criteria provided, single submitter. Criteria: ICSL Variant Classification Criteria 13 December 2019. Collection method: clinical testing. Allele origin: germline.
Comment: the same text as in the submission from Illumina Laboratory Services, Illumina above.

NM_001378743.1(CYLD):c.*698T>G

Genes: CYLD (CYLD lysine 63 deubiquitinase; plus strand), CYLD-AS2 (CYLD antisense RNA 2; minus strand). Cytogenetic location: 16q12.1.
Variant type: single nucleotide variant.
Coding change: c.*698T>G on transcript NM_001378743.1 (MANE Select); 698 bases downstream of the stop codon, T replaced by G.
Molecular consequence: 3 prime UTR variant. On other transcripts: non-coding transcript variant (1).
Genome position (GRCh38, 1-based): chr16:50,797,206, T>G. VCF-style: chr16-50797206-T-G. GRCh37 (hg19) VCF-style: chr16-50831117-T-G.
Other names: c.*698T>G (NM_001042355.2, NM_001042412.3, NM_001378744.1 and 12 more transcripts).
Identifiers: ClinVar variation 319514 (VCV000319514.5), dbSNP rs541975303, ClinGen allele CA10643737.